The following is an entry in ClinVar:

ClinVar aggregate classification (germline): Benign/Likely benign. Review status: criteria provided, multiple submitters, no conflicts (2 of 4 stars). 23 submissions from 22 submitters: Benign (14); Likely benign (4). 5 of the submissions do not count toward it. Last evaluated 2026-09-01.

Conditions:
Ventricular arrhythmias due to cardiac ryanodine receptor calcium release deficiency syndrome. Also called: Autosomal dominant cardiac arrhythmia (Kuhn). Identifiers: MedGen C5542154, MONDO:0020745, OMIM 115000.
Catecholaminergic polymorphic ventricular tachycardia 1. Also called: RYR2-Related Catecholaminergic Polymorphic Ventricular Tachycardia; VENTRICULAR TACHYCARDIA, STRESS-INDUCED POLYMORPHIC 1; VENTRICULAR TACHYCARDIA, CATECHOLAMINERGIC POLYMORPHIC, 1, WITH OR WITHOUT ATRIAL DYSFUNCTION AND/OR DILATED CARDIOMYOPATHY. Identifiers: Orphanet 3286, MedGen C1631597, MONDO:0011484, OMIM 604772.
Arrhythmogenic right ventricular dysplasia 2. Identifiers: MedGen C1832931.
Cardiovascular phenotype. Identifiers: MedGen CN230736.
Cardiomyopathy (CMYO). Also called: Cardiomyopathies. Identifiers: Orphanet 167848, MedGen C0878544, MONDO:0004994, HP:0001638. Inheritance: Various modes of inheritance.
Catecholaminergic polymorphic ventricular tachycardia (CVPT). Also called: Catecholamine-induced polymorphic ventricular tachycardia. Identifiers: Orphanet 3286, MedGen C5574922, MONDO:0017990.

Allele frequency attached by ClinVar (database versions not stated): TOPMed 0.01395; gnomAD 0.01515 and 0.01531; gnomAD exomes 0.01672; ExAC 0.01824; 1000 Genomes Project 30x 0.00765; ESP Exome Variant Server 0.01610; 1000 Genomes Project 0.00719.
gnomAD v4.1: 34,734 of 1,613,390 alleles (2.2%); highest among the groups gnomAD compares: Non-Finnish European, 2.5%; 390 homozygotes.

Submissions (23):

CeGaT Center for Human Genetics Tuebingen
Classification: Benign. Last evaluated: 2026-09-01. Review status: criteria provided, single submitter. Criteria: CeGaT Center For Human Genetics Tuebingen Variant Classification Criteria Version 2. Collection method: clinical testing. Allele origin: germline. Affected: yes. Observed: 87 variant alleles.
Comment: RYR2: BS1, BS2

Labcorp Genetics (formerly Invitae), Labcorp
Classification: Benign for Catecholaminergic polymorphic ventricular tachycardia 1. Last evaluated: 2026-02-04. Review status: criteria provided, single submitter. Criteria: Invitae Variant Classification Sherloc (09022015). Collection method: clinical testing. Allele origin: germline.

ARUP Laboratories, Molecular Genetics and Genomics, ARUP Laboratories
Classification: Benign. Last evaluated: 2025-05-26. Review status: criteria provided, single submitter. Criteria: ARUP Molecular Germline Variant Investigation Process 2024. Collection method: clinical testing. Allele origin: germline.

Molecular Diagnostic Laboratory for Inherited Cardiovascular Disease, Montreal Heart Institute
Classification: Likely benign. Last evaluated: 2025-04-08. Review status: criteria provided, single submitter. Criteria: ACMG Guidelines, 2015. Collection method: clinical testing. Allele origin: germline. Affected: no.

Blueprint Genetics
Classification: Benign. Last evaluated: 2024-11-26. Review status: criteria provided, single submitter. Criteria: ACMG Guidelines, 2015. Collection method: clinical testing. Allele origin: germline.

All of Us Research Program, National Institutes of Health
Classification: Benign for Catecholaminergic polymorphic ventricular tachycardia. Last evaluated: 2024-02-05. Review status: criteria provided, single submitter. Criteria: ACMG Guidelines, 2015. Collection method: clinical testing. Allele origin: germline. Inheritance: Autosomal dominant inheritance. Observed: 4,099 variant alleles, 4,057 heterozygotes, 42 homozygotes.
Comment: This study involves interpretation of variants in research participants for the purpose of population health screening. Participant phenotype was not available at the time of variant classification. Additional details can be found in publication PMID: 35346344, PMCID: PMC8962531

Fulgent Genetics
Classification: Likely benign for Ventricular arrhythmias due to cardiac ryanodine receptor calcium release deficiency syndrome; Catecholaminergic polymorphic ventricular tachycardia 1. Last evaluated: 2021-12-28. Review status: criteria provided, single submitter. Criteria: ACMG Guidelines, 2015. Collection method: clinical testing. Allele origin: unknown.

Color Diagnostics, LLC DBA Color Health
Classification: Benign for Cardiomyopathy. Last evaluated: 2018-03-15. Review status: criteria provided, single submitter. Criteria: ACMG Guidelines, 2015. Collection method: clinical testing. Allele origin: germline.

Illumina Laboratory Services, Illumina
Classification: Benign for Catecholaminergic polymorphic ventricular tachycardia 1. Last evaluated: 2018-01-12. Review status: criteria provided, single submitter. Criteria: ICSL Variant Classification Criteria 13 December 2019. Collection method: clinical testing. Allele origin: germline.
Comment: This variant was observed in the ICSL laboratory as part of a predisposition screen in an ostensibly healthy population. It had not been previously curated by ICSL or reported in the Human Gene Mutation Database (HGMD: prior to June 1st, 2018), and was therefore a candidate for classification through an automated scoring system. Utilizing variant allele frequency, disease prevalence and penetrance estimates, and inheritance mode, an automated score was calculated to assess if this variant is too frequent to cause the disease. Based on the score and internal cut-off values, a variant classified as benign is not then subjected to further curation. The score for this variant resulted in a classification of benign for this disease.

Illumina Laboratory Services, Illumina
Classification: Likely benign for Catecholaminergic polymorphic ventricular tachycardia 1. Last evaluated: 2018-01-12. Review status: criteria provided, single submitter. Criteria: ICSL Variant Classification Criteria 13 December 2019. Collection method: clinical testing. Allele origin: germline.
Comment: This variant was observed in the ICSL laboratory as part of a predisposition screen in an ostensibly healthy population. It had not been previously curated by ICSL or reported in the Human Gene Mutation Database (HGMD: prior to June 1st, 2018), and was therefore a candidate for classification through an automated scoring system. Utilizing variant allele frequency, disease prevalence and penetrance estimates, and inheritance mode, an automated score was calculated to assess if this variant is too frequent to cause the disease. Based on the score and internal cut-off values, a variant classified as likely benign is not then subjected to further curation. The score for this variant resulted in a classification of likely benign for this disease.

Ambry Genetics
Classification: Benign for Cardiovascular phenotype. Last evaluated: 2015-06-19. Review status: criteria provided, single submitter. Criteria: Ambry Variant Classification Scheme 2023. Collection method: clinical testing. Allele origin: germline.

Mayo Clinic Laboratories, Mayo Clinic
Classification: Benign. Last evaluated: 2015-05-06. Review status: criteria provided, single submitter. Criteria: ACMG Guidelines, 2015. Collection method: clinical testing. Allele origin: germline. Observed: 48 variant alleles.

GeneDx
Classification: Benign. Last evaluated: 2015-03-03. Review status: criteria provided, single submitter. Criteria: GeneDx Variant Classification Process June 2021. Collection method: clinical testing. Allele origin: germline. Affected: yes.
Comment: This variant is associated with the following publications: (PMID: 25925909, 33232181)

Stanford Center for Inherited Cardiovascular Disease, Stanford University
Classification: Benign. Last evaluated: 2015-02-10. Review status: criteria provided, single submitter. Criteria: ACMG Guidelines, 2015. Collection method: provider interpretation. Allele origin: germline.

Biesecker Lab/Clinical Genomics Section, National Institutes of Health
Classification: Benign. Last evaluated: 2013-06-24. Review status: criteria provided, single submitter. Criteria: Ng et al. (Circ Cardiovasc Genet. 2013). Collection method: research. Allele origin: unknown. Observed: 25 variant alleles. Study: ClinSeq.
Comment: The study set was not selected for affection status in relation to any cancer. Pathogenicity categories were based on literature curation. See Pubmed ID:23861362 for details.

Medical sequencing

Laboratory for Molecular Medicine, Mass General Brigham Personalized Medicine
Classification: Benign. Last evaluated: 2012-02-13. Review status: criteria provided, single submitter. Criteria: LMM Criteria. Collection method: clinical testing. Allele origin: germline. Observed: 69 variant alleles.
Comment: Ser1400Gly in exon 32 of RYR2: This variant is classified as benign based on its high frequency in the general population (dbSNP rs56229512; NHLBI Exome Sequenc ing Project). G=157/A=6507 (EA chromosomes, E SP project)

Breakthrough Genomics
Classification: Likely benign. Review status: criteria provided, single submitter. Criteria: ACMG Guidelines, 2015. Collection method: not provided. Allele origin: germline. Inheritance: Autosomal dominant inheritance. Affected: yes.

PreventionGenetics, part of Exact Sciences
Classification: Benign. Review status: criteria provided, single submitter. Criteria: ACMG Guidelines, 2015. Collection method: clinical testing. Allele origin: germline.

Clinical Genetics DNA and cytogenetics Diagnostics Lab, Erasmus MC, Erasmus Medical Center
Classification: Benign. Review status: no assertion criteria provided. Collection method: clinical testing. Allele origin: germline. Affected: yes. Study: VKGL Data-share Consensus. Not counted in ClinVar's aggregate classification.

Clinical Genetics, Academic Medical Center
Classification: Benign. Review status: no assertion criteria provided. Collection method: clinical testing. Allele origin: germline. Affected: yes. Study: VKGL Data-share Consensus. Not counted in ClinVar's aggregate classification.

Diagnostic Laboratory, Department of Genetics, University Medical Center Groningen
Classification: Likely benign. Review status: no assertion criteria provided. Collection method: clinical testing. Allele origin: germline. Affected: yes. Study: VKGL Data-share Consensus. Not counted in ClinVar's aggregate classification.

Genome Diagnostics Laboratory, University Medical Center Utrecht
Classification: Benign. Review status: no assertion criteria provided. Collection method: clinical testing. Allele origin: germline. Affected: yes. Study: VKGL Data-share Consensus. Not counted in ClinVar's aggregate classification.

Joint Genome Diagnostic Labs from Nijmegen and Maastricht, Radboudumc and MUMC+
Classification: Benign. Review status: no assertion criteria provided. Collection method: clinical testing. Allele origin: germline. Affected: yes. Study: VKGL Data-share Consensus. Not counted in ClinVar's aggregate classification.

NM_001035.3(RYR2):c.4198A>G (p.Ser1400Gly)

Gene: RYR2 (ryanodine receptor 2; plus strand). Cytogenetic location: 1q43.
Variant type: single nucleotide variant.
Coding change: c.4198A>G on transcript NM_001035.3 (MANE Select); coding-DNA position 4198, A replaced by G.
Protein change: p.Ser1400Gly; replaces serine 1400 with glycine.
Molecular consequence: missense variant.
Genome position (GRCh38, 1-based): chr1:237,591,776, A>G. VCF-style: chr1-237591776-A-G. GRCh37 (hg19) VCF-style: chr1-237755076-A-G.
Other names: short protein forms S1400G.
Identifiers: ClinVar variation 43782 (VCV000043782.84), dbSNP rs56229512, ClinGen allele CA009486.